The following is an entry in ClinVar:

NM_007272.3(CTRC):c.134T>A (p.Ile45Asn)

Gene: CTRC (chymotrypsin C; plus strand). Cytogenetic location: 1p36.21.
Variant type: single nucleotide variant.
Coding change: c.134T>A on transcript NM_007272.3 (MANE Select); coding-DNA position 134, T replaced by A.
Protein change: p.Ile45Asn; replaces isoleucine 45 with asparagine.
Molecular consequence: missense variant.
Genome position (GRCh38, 1-based): chr1:15,440,494, T>A. VCF-style: chr1-15440494-T-A. GRCh37 (hg19) VCF-style: chr1-15766990-T-A.
Other names: short protein forms I45N.
Identifiers: ClinVar variation 1770577 (VCV001770577.3), dbSNP rs758920912, ClinGen allele CA613236.

ClinVar aggregate classification (germline): Uncertain significance (1 of 4 stars; one submission).

Conditions:
Hereditary pancreatitis (PCTT). Also called: PRSS1-Related Hereditary Pancreatitis; Hereditary chronic pancreatitis. Identifiers: Orphanet 676, MedGen C0238339, MONDO:0008185, OMIM 167800.

Allele frequency attached by ClinVar (database versions not stated): ExAC 0.00001.
gnomAD v4.1: 4 of 1,614,082 alleles (0.00025%); highest among the groups gnomAD compares: South Asian, 0.0022%; no homozygotes.

Submission:

Ambry Genetics
Classification: Uncertain significance for Hereditary pancreatitis. Last evaluated: 2025-05-31. Review status: criteria provided, single submitter. Criteria: Ambry Variant Classification Scheme 2023. Collection method: clinical testing. Allele origin: germline.
Comment: The p.I45N variant (also known as c.134T>A), located in coding exon 3 of the CTRC gene, results from a T to A substitution at nucleotide position 134. The isoleucine at codon 45 is replaced by asparagine, an amino acid with dissimilar properties. This amino acid position is conserved. In addition, the in silico prediction for this alteration is inconclusive. Since supporting evidence is limited at this time, the clinical significance of this alteration remains unclear.